The following is an entry in ClinVar:

NM_004006.3(DMD):c.10442A>G (p.Gln3481Arg)

Gene: DMD (dystrophin; minus strand). Cytogenetic location: Xp21.2.
Variant type: single nucleotide variant.
Coding change: c.10442A>G on transcript NM_004006.3 (MANE Select); coding-DNA position 10442, A replaced by G.
Protein change: p.Gln3481Arg; replaces glutamine 3481 with arginine.
Molecular consequence: missense variant. On other transcripts: intron variant (2).
Genome position (GRCh38, 1-based): chrX:31,169,554, T>C on the plus strand (A>G on the coding strand, the complement: DMD is on the minus strand). VCF-style: chrX-31169554-T-C. GRCh37 (hg19) VCF-style: chrX-31187671-T-C.
Other names: c.10418A>G, p.Gln3473Arg (NM_000109.4); c.10430A>G, p.Gln3477Arg (NM_004009.3); c.10073A>G, p.Gln3358Arg (NM_004010.3); c.6419A>G, p.Gln2140Arg (NM_004011.4); c.6410A>G, p.Gln2137Arg (NM_004012.4); c.3062A>G, p.Gln1021Arg (NM_004013.3, NM_004021.3); c.2255A>G, p.Gln752Arg (NM_004014.3); c.1238A>G, p.Gln413Arg (NM_004015.3, NM_004016.3); and 3 more; short protein forms Q3481R, Q1021R, Q3358R, Q3473R, Q413R, Q752R, Q1008R, Q2137R.
Identifiers: ClinVar variation 513434 (VCV000513434.13), dbSNP rs368594777, ClinGen allele CA10377589.

ClinVar aggregate classification (germline): Conflicting classifications of pathogenicity. Review status: criteria provided, conflicting classifications (1 of 4 stars). 5 submissions from 5 submitters: Uncertain significance (3); Likely benign (2). Last evaluated 2026-01-16.

Conditions:
Duchenne muscular dystrophy (DMD). Also called: MUSCULAR DYSTROPHY, PSEUDOHYPERTROPHIC PROGRESSIVE, DUCHENNE TYPE; Duchenne Muscular Dystrophy (DMD). Identifiers: Orphanet 98896, MedGen C0013264, MONDO:0010679, OMIM 310200.
Cardiovascular phenotype. Identifiers: MedGen CN230736.

Allele frequency attached by ClinVar (database versions not stated): gnomAD exomes below 0.00001 and 0.00002; TOPMed 0.00002; ExAC 0.00003; gnomAD 0.00005; ESP Exome Variant Server 0.00009.
gnomAD v4.1: 6 of 1,204,807 alleles (0.0005%); highest among the groups gnomAD compares: African/African-American, 0.0035%; no homozygotes.

Submissions (5):

Women's Health and Genetics/Laboratory Corporation of America, LabCorp
Classification: Uncertain significance. Last evaluated: 2026-01-16. Review status: criteria provided, single submitter. Criteria: LabCorp Variant Classification Summary - May 2015. Collection method: clinical testing. Allele origin: germline.
Comment: Variant summary: DMD c.10442A>G (p.Gln3481Arg) results in a conservative amino acid change located in the Carboxy-terminal domain (DMD open acess variant explorer) of the encoded protein sequence. Algorithms developed to predict the effect of missense changes on protein structure and function are either unavailable or do not agree on the potential impact of this missense change. The variant allele was found at a frequency of 1.7e-05 in 174833 control chromosomes. The available data on variant occurrences in the general population are insufficient to allow any conclusion about variant significance. To our knowledge, no occurrence of c.10442A>G in individuals affected with DMD-related conditions and no experimental evidence demonstrating its impact on protein function have been reported. ClinVar contains an entry for this variant (Variation ID: 513434). Based on the evidence outlined above, the variant was classified as uncertain significance.

Labcorp Genetics (formerly Invitae), Labcorp
Classification: Likely benign for Duchenne muscular dystrophy. Last evaluated: 2025-12-21. Review status: criteria provided, single submitter. Criteria: Invitae Variant Classification Sherloc (09022015). Collection method: clinical testing. Allele origin: germline.

Ambry Genetics
Classification: Uncertain significance for Cardiovascular phenotype. Last evaluated: 2023-12-09. Review status: criteria provided, single submitter. Criteria: Ambry Variant Classification Scheme 2023. Collection method: clinical testing. Allele origin: germline.
Comment: The p.Q3481R variant (also known as c.10442A>G), located in coding exon 74 of the DMD gene, results from an A to G substitution at nucleotide position 10442. The glutamine at codon 3481 is replaced by arginine, an amino acid with highly similar properties. Based on data from gnomAD, the G allele has an overall frequency of 0.0017% (3/174833) total alleles studied, with 1 hemizygote(s) observed. The highest observed frequency was 0.0039% (3/77218) of European (non-Finnish) alleles. This amino acid position is well conserved in available vertebrate species. In addition, the in silico prediction for this alteration is inconclusive. Since supporting evidence is limited at this time, the clinical significance of this alteration remains unclear.

Revvity Omics, Revvity
Classification: Uncertain significance. Last evaluated: 2019-11-30. Review status: criteria provided, single submitter. Criteria: ACMG Guidelines, 2015. Collection method: clinical testing. Allele origin: germline.

GeneDx
Classification: Likely benign. Last evaluated: 2017-11-27. Review status: criteria provided, single submitter. Criteria: GeneDx Variant Classification (06012015). Collection method: clinical testing. Allele origin: germline. Affected: yes.
Comment: This variant is considered likely benign or benign based on one or more of the following criteria: it is a conservative change, it occurs at a poorly conserved position in the protein, it is predicted to be benign by multiple in silico algorithms, and/or has population frequency not consistent with disease.